The following is an entry in ClinVar:

ClinVar aggregate classification (germline): Conflicting classifications of pathogenicity. Review status: criteria provided, conflicting classifications (1 of 4 stars). 9 submissions from 7 submitters: Uncertain significance (2); Benign (4); Likely benign (3). Last evaluated 2026-01-02.

Conditions:
Inborn genetic diseases. Identifiers: MedGen C0950123, MeSH D030342.
Frasier syndrome. Identifiers: Orphanet 347, MedGen C0950122, MeSH D052159, MONDO:0007635, OMIM 136680.
Wilms tumor 1 (WT1). Also called: Wilms tumor, somatic. Identifiers: Orphanet 654, MedGen CN033288, MONDO:0008679, OMIM 194070.
11p partial monosomy syndrome (WAGR). Also called: CHROMOSOME 11p13 DELETION SYNDROME; WAGR Spectrum Disorder; WAGR syndrome; WAGR Complex. Identifiers: Orphanet 893, MedGen C0206115, MONDO:0008681, OMIM 194072.
Drash syndrome (DDS). Also called: NEPHROPATHY, WILMS TUMOR, AND GENITAL ANOMALIES; WILMS TUMOR AND PSEUDO- OR TRUE HERMAPHRODITISM. Identifiers: Orphanet 220, MedGen C0950121, MONDO:0008682, OMIM 194080.
Nephrotic syndrome, type 4 (NPHS4). Also called: Familial mesangial sclerosis; Nephrotic syndrome, early onset with diffuse mesangial sclerosis. Identifiers: Orphanet 656, MedGen C3151568, MONDO:0009733, OMIM 256370.
Meacham syndrome. Also called: Meacham Winn Culler syndrome. Identifiers: Orphanet 3097, MedGen C1837026, MONDO:0012164, OMIM 608978.

Allele frequency attached by ClinVar (database versions not stated): gnomAD exomes 0.00004 and 0.00015; TOPMed 0.00006; gnomAD 0.00007 and 0.00008; ESP Exome Variant Server 0.00008; ExAC 0.00014; 1000 Genomes Project 30x 0.00016; 1000 Genomes Project 0.00020.
gnomAD v4.1: 83 of 1,614,104 alleles (0.0051%); highest among the groups gnomAD compares: East Asian, 0.074%; no homozygotes.

Submissions (9):

Labcorp Genetics (formerly Invitae), Labcorp
Classification: Benign for Wilms tumor 1; Drash syndrome; 11p partial monosomy syndrome; Frasier syndrome. Last evaluated: 2026-01-02. Review status: criteria provided, single submitter. Criteria: Invitae Variant Classification Sherloc (09022015). Collection method: clinical testing. Allele origin: germline.

Blueprint Genetics
Classification: Likely benign. Last evaluated: 2024-09-12. Review status: criteria provided, single submitter. Criteria: ACMG Guidelines, 2015. Collection method: clinical testing. Allele origin: germline.

Ambry Genetics
Classification: Likely benign for Inborn genetic diseases. Last evaluated: 2024-06-20. Review status: criteria provided, single submitter. Criteria: Ambry Variant Classification Scheme 2023. Collection method: clinical testing. Allele origin: germline.

All of Us Research Program, National Institutes of Health
Classification: Benign for Wilms tumor 1. Last evaluated: 2023-12-01. Review status: criteria provided, single submitter. Criteria: ACMG Guidelines, 2015. Collection method: clinical testing. Allele origin: germline. Inheritance: Autosomal dominant inheritance. Observed: 9 variant alleles, 9 heterozygotes.
Comment: This study involves interpretation of variants in research participants for the purpose of population health screening. Participant phenotype was not available at the time of variant classification. Additional details can be found in publication PMID: 35346344, PMCID: PMC8962531

GeneDx
Classification: Uncertain significance. Last evaluated: 2023-07-24. Review status: criteria provided, single submitter. Criteria: GeneDx Variant Classification Process June 2021. Collection method: clinical testing. Allele origin: germline. Affected: yes.
Comment: In silico analysis supports that this variant does not alter splicing; Observed in patients with hypospadias (PMID: 29958641); This variant is associated with the following publications: (PMID: 29958641)

Color Diagnostics, LLC DBA Color Health
Classification: Benign for Wilms tumor 1. Last evaluated: 2023-02-16. Review status: criteria provided, single submitter. Criteria: ACMG Guidelines, 2015. Collection method: clinical testing. Allele origin: germline.

Illumina Laboratory Services, Illumina
Classification: Benign for Meacham syndrome. Last evaluated: 2018-01-12. Review status: criteria provided, single submitter. Criteria: ICSL Variant Classification Criteria 13 December 2019. Collection method: clinical testing. Allele origin: germline.
Comment: This variant was observed in the ICSL laboratory as part of a predisposition screen in an ostensibly healthy population. It had not been previously curated by ICSL or reported in the Human Gene Mutation Database (HGMD: prior to June 1st, 2018), and was therefore a candidate for classification through an automated scoring system. Utilizing variant allele frequency, disease prevalence and penetrance estimates, and inheritance mode, an automated score was calculated to assess if this variant is too frequent to cause the disease. Based on the score and internal cut-off values, a variant classified as benign is not then subjected to further curation. The score for this variant resulted in a classification of benign for this disease.

Illumina Laboratory Services, Illumina
Classification: Uncertain significance for Nephrotic syndrome, type 4. Last evaluated: 2018-01-12. Review status: criteria provided, single submitter. Criteria: ICSL Variant Classification Criteria 13 December 2019. Collection method: clinical testing. Allele origin: germline.

Illumina Laboratory Services, Illumina
Classification: Likely benign for Wilms tumor 1. Last evaluated: 2018-01-12. Review status: criteria provided, single submitter. Criteria: ICSL Variant Classification Criteria 13 December 2019. Collection method: clinical testing. Allele origin: germline.
Comment: This variant was observed in the ICSL laboratory as part of a predisposition screen in an ostensibly healthy population. It had not been previously curated by ICSL or reported in the Human Gene Mutation Database (HGMD: prior to June 1st, 2018), and was therefore a candidate for classification through an automated scoring system. Utilizing variant allele frequency, disease prevalence and penetrance estimates, and inheritance mode, an automated score was calculated to assess if this variant is too frequent to cause the disease. Based on the score and internal cut-off values, a variant classified as likely benign is not then subjected to further curation. The score for this variant resulted in a classification of likely benign for this disease.

NM_024426.6(WT1):c.1017-9T>C

Gene: WT1 (WT1 transcription factor; minus strand). Cytogenetic location: 11p13.
Variant type: single nucleotide variant.
Coding change: c.1017-9T>C on transcript NM_024426.6 (MANE Select); 9 bases into the intron before coding-DNA position 1017, T replaced by C.
Molecular consequence: intron variant.
Genome position (GRCh38, 1-based): chr11:32,400,053, A>G on the plus strand (T>C on the coding strand, the complement: WT1 is on the minus strand). VCF-style: chr11-32400053-A-G. GRCh37 (hg19) VCF-style: chr11-32421599-A-G.
Other names: c.843-9T>C (NM_001407050.1); c.894-9T>C (NM_001407047.1); c.966-9T>C (NM_001407048.1, NM_001407049.1, NM_000378.6 and 1 more transcripts); c.1017-15T>C (NM_001407044.1); c.1017-9T>C (NM_001407046.1, NM_024424.5); c.255-9T>C (NM_001407051.1); c.315-9T>C (NM_001198552.2); c.366-9T>C (NM_001198551.2); and 1 more.
Identifiers: ClinVar variation 414075 (VCV000414075.21), dbSNP rs368486676, ClinGen allele CA064029.